The following is an entry in ClinVar:

NM_000052.7(ATP7A):c.1435C>T (p.Gln479Ter)

Gene: ATP7A (ATPase copper transporting alpha; plus strand). Cytogenetic location: Xq21.1.
Variant type: single nucleotide variant.
Coding change: c.1435C>T on transcript NM_000052.7 (MANE Select); coding-DNA position 1435, C replaced by T.
Protein change: p.Gln479Ter; replaces glutamine 479 with a stop codon.
Molecular consequence: nonsense.
Genome position (GRCh38, 1-based): chrX:77,998,576, C>T. VCF-style: chrX-77998576-C-T. GRCh37 (hg19) VCF-style: chrX-77254073-C-T.
Other names: c.1435C>T, p.Gln479Ter (NM_001282224.2); short protein forms Q479*.
Identifiers: ClinVar variation 618540 (VCV000618540.8), dbSNP rs1569549695, ClinGen allele CA413594909.

ClinVar aggregate classification (germline): Pathogenic (1 of 4 stars; one submission).

Submission:

ARUP Laboratories, Molecular Genetics and Genomics, ARUP Laboratories
Classification: Pathogenic. Last evaluated: 2017-06-09. Review status: criteria provided, single submitter. Criteria: ARUP Molecular Germline Variant Investigation Process. Collection method: clinical testing. Allele origin: germline.
Comment: To our knowledge, the ATP7A c.1435C>T; p.Gln479Ter variant has not been previously reported in the literature or gene-specific variant databases, nor listed in general population databases (Exome Variant Server, Genome Aggregation Database). This variant induces an early termination codon and is predicted to result in a truncated protein or absent transcript. Therefore, this variant is considered pathogenic.